The following is an entry in ClinVar:

ClinVar aggregate classification (germline): Pathogenic (1 of 4 stars; one submission).

Conditions:
Spastic paraplegia. Identifiers: MedGen C0037772, HP:0001258.

Submission:

Labcorp Genetics (formerly Invitae), Labcorp
Classification: Pathogenic for Spastic paraplegia. Last evaluated: 2022-03-03. Review status: criteria provided, single submitter. Criteria: Invitae Variant Classification Sherloc (09022015). Collection method: clinical testing. Allele origin: germline.
Comment: For these reasons, this variant has been classified as Pathogenic. This variant has not been reported in the literature in individuals affected with CYP7B1-related conditions. This variant is not present in population databases (gnomAD no frequency). This sequence change creates a premature translational stop signal (p.Leu22Profs*24) in the CYP7B1 gene. It is expected to result in an absent or disrupted protein product. Loss-of-function variants in CYP7B1 are known to be pathogenic (PMID: 9802883, 19363635, 19439420, 21541746, 21567895, 28039895).

Literature cited by the submitters: PubMed 9802883; PubMed 19363635; PubMed 19439420; PubMed 21541746; PubMed 21567895; PubMed 28039895.

NM_004820.5(CYP7B1):c.59dup (p.Leu22fs)

Gene: CYP7B1 (cytochrome P450 family 7 subfamily B member 1; minus strand). Cytogenetic location: 8q12.3.
Variant type: Duplication.
Coding change: c.59dup on transcript NM_004820.5 (MANE Select); coding-DNA position 59, one base duplicated (C; older notation c.59dupC).
Protein change: p.Leu22fs; shifts the reading frame from leucine 22.
Molecular consequence: frameshift variant.
Genome position (GRCh38, 1-based): chr8:64,798,529, G duplicated on the plus strand (C on the coding strand, the reverse complement: CYP7B1 is on the minus strand); the first of 3 consecutive G bases (chr8:64,798,529-64,798,531); duplicating any one gives the same sequence. VCF-style (leftmost placement, unchanged base first): chr8-64798528-C-CG. GRCh37 (hg19) VCF-style: chr8-65711085-C-CG.
Other names: c.59dup, p.Leu22fs (NM_001324112.2); short protein forms L22fs.
Identifiers: ClinVar variation 2100941 (VCV002100941.4), dbSNP rs2536112593, ClinGen allele CA2580078862.